The following is an entry in ClinVar:

NM_004260.4(RECQL4):c.2032G>C (p.Val678Leu)

Gene: RECQL4 (RecQ like helicase 4; minus strand). Cytogenetic location: 8q24.3.
Variant type: single nucleotide variant.
Coding change: c.2032G>C on transcript NM_004260.4 (MANE Select); coding-DNA position 2032, G replaced by C.
Protein change: p.Val678Leu; replaces valine 678 with leucine.
Molecular consequence: missense variant.
Genome position (GRCh38, 1-based): chr8:144,513,954, C>G on the plus strand (G>C on the coding strand, the complement: RECQL4 is on the minus strand). VCF-style: chr8-144513954-C-G. GRCh37 (hg19) VCF-style: chr8-145739338-C-G.
Other names: c.2032G>C (NM_004260.3); short protein forms V678L.
Identifiers: ClinVar variation 1411497 (VCV001411497.7), dbSNP rs780282337, ClinGen allele CA187684363.

ClinVar aggregate classification (germline): Uncertain significance. Review status: criteria provided, multiple submitters, no conflicts (2 of 4 stars). 2 submissions from 2 submitters: Uncertain significance (2). Last evaluated 2025-03-27.

Conditions:
Baller-Gerold syndrome (BGS). Also called: CRANIOSYNOSTOSIS WITH RADIAL DEFECTS. Identifiers: Orphanet 1225, MedGen C0265308, MONDO:0009039, OMIM 218600.
Inborn genetic diseases. Identifiers: MedGen C0950123, MeSH D030342.

gnomAD v4.1: 3 of 1,559,738 alleles (0.00019%); highest among the groups gnomAD compares: Middle Eastern, 0.018%; no homozygotes.

Submissions (2):

Ambry Genetics
Classification: Uncertain significance for Inborn genetic diseases. Last evaluated: 2025-03-27. Review status: criteria provided, single submitter. Criteria: Ambry Variant Classification Scheme 2023. Collection method: clinical testing. Allele origin: germline.
Comment: The p.V678L variant (also known as c.2032G>C), located in coding exon 12 of the RECQL4 gene, results from a G to C substitution at nucleotide position 2032. The valine at codon 678 is replaced by leucine, an amino acid with highly similar properties. This amino acid position is conserved. In addition, the in silico prediction for this alteration is inconclusive. Based on the available evidence, the clinical significance of this variant remains unclear.

Labcorp Genetics (formerly Invitae), Labcorp
Classification: Uncertain significance for Baller-Gerold syndrome. Last evaluated: 2023-11-09. Review status: criteria provided, single submitter. Criteria: Invitae Variant Classification Sherloc (09022015). Collection method: clinical testing. Allele origin: germline.
Comment: This sequence change replaces valine, which is neutral and non-polar, with leucine, which is neutral and non-polar, at codon 678 of the RECQL4 protein (p.Val678Leu). This variant is not present in population databases (gnomAD no frequency). This variant has not been reported in the literature in individuals affected with RECQL4-related conditions. ClinVar contains an entry for this variant (Variation ID: 1411497). Advanced modeling of protein sequence and biophysical properties (such as structural, functional, and spatial information, amino acid conservation, physicochemical variation, residue mobility, and thermodynamic stability) performed at Invitae indicates that this missense variant is expected to disrupt RECQL4 protein function with a positive predictive value of 80%. In summary, the available evidence is currently insufficient to determine the role of this variant in disease. Therefore, it has been classified as a Variant of Uncertain Significance.